The following is an entry in ClinVar:

NM_000179.3(MSH6):c.2133C>T (p.Pro711=)

Gene: MSH6 (mutS homolog 6; plus strand). Cytogenetic location: 2p16.3.
Variant type: single nucleotide variant.
Coding change: c.2133C>T on transcript NM_000179.3 (MANE Select); coding-DNA position 2133, C replaced by T.
Protein change: p.Pro711=; no amino-acid change (proline 711 retained).
Molecular consequence: synonymous variant.
Genome position (GRCh38, 1-based): chr2:47,800,116, C>T. VCF-style: chr2-47800116-C-T. GRCh37 (hg19) VCF-style: chr2-48027255-C-T.
Other names: c.1743C>T, p.Pro581= (NM_001281492.2); c.1227C>T, p.Pro409= (NM_001281493.2, NM_001281494.2).
Identifiers: ClinVar variation 1614755 (VCV001614755.9), dbSNP rs2104390331, ClinGen allele CA426121570.

ClinVar aggregate classification (germline): Benign/Likely benign. Review status: criteria provided, multiple submitters, no conflicts (2 of 4 stars). 2 submissions from 2 submitters: Benign (1); Likely benign (1). Last evaluated 2025-04-07.

Conditions:
Hereditary nonpolyposis colorectal neoplasms. Identifiers: MedGen C0009405, MeSH D003123.
Lynch syndrome 5 (LYNCH5). Also called: Colorectal cancer, hereditary nonpolyposis, type 5; Hereditary non-polyposis colorectal cancer, type 5. Identifiers: Orphanet 144, MedGen C1833477, MONDO:0013710, OMIM 614350. Disease mechanism: loss of function.

Submissions (2):

Labcorp Genetics (formerly Invitae), Labcorp
Classification: Likely benign for Hereditary nonpolyposis colorectal neoplasms. Last evaluated: 2025-04-07. Review status: criteria provided, single submitter. Criteria: Invitae Variant Classification Sherloc (09022015). Collection method: clinical testing. Allele origin: germline.

Myriad Genetics, Inc.
Classification: Benign for Lynch syndrome 5. Last evaluated: 2024-12-30. Review status: criteria provided, single submitter. Criteria: Myriad Autosomal Dominant, Autosomal Recessive and X-Linked Classification Criteria (2023). Collection method: clinical testing. Allele origin: unknown.
Comment: This variant is considered benign. This variant is a silent/synonymous amino acid change and it is not expected to impact splicing.